The following is an entry in ClinVar:

ClinVar aggregate classification (germline): Pathogenic. Review status: criteria provided, multiple submitters, no conflicts (2 of 4 stars). 2 submissions from 2 submitters: Pathogenic (2). Last evaluated 2024-05-21.

Conditions:
Inborn genetic diseases. Identifiers: MedGen C0950123, MeSH D030342.

Submissions (2):

GeneDx
Classification: Pathogenic. Last evaluated: 2024-05-21. Review status: criteria provided, single submitter. Criteria: GeneDx Variant Classification Process June 2021. Collection method: clinical testing. Allele origin: germline. Affected: yes.
Comment: Frameshift variant predicted to result in protein truncation or nonsense mediated decay in a gene for which loss of function is a known mechanism of disease; Not observed at significant frequency in large population cohorts (gnomAD); Has not been previously published as pathogenic or benign to our knowledge

Ambry Genetics
Classification: Pathogenic for Inborn genetic diseases. Last evaluated: 2022-07-22. Review status: criteria provided, single submitter. Criteria: Ambry Variant Classification Scheme 2023. Collection method: clinical testing. Allele origin: germline.
Comment: The c.1271delC (p.P424Lfs*3) alteration, located in exon 11 (coding exon 11) of the ASXL3 gene, consists of a deletion of one nucleotide at position 1271, causing a translational frameshift with a predicted alternate stop codon after 3 amino acids. This alteration is expected to result in loss of function by premature protein truncation or nonsense-mediated mRNA decay. This variant was not reported in population-based cohorts in the Genome Aggregation Database (gnomAD). Based on the available evidence, this alteration is classified as pathogenic.

NM_030632.3(ASXL3):c.1271del (p.Pro424fs)

Gene: ASXL3 (ASXL transcriptional regulator 3; plus strand). Cytogenetic location: 18q12.1.
Variant type: Deletion.
Coding change: c.1271del on transcript NM_030632.3 (MANE Select); coding-DNA position 1271, one base deleted (C; older notation c.1271delC).
Protein change: p.Pro424fs; shifts the reading frame from proline 424.
Molecular consequence: frameshift variant.
Genome position (GRCh38, 1-based): chr18:33,738,675, C deleted; the last of 3 consecutive C bases (chr18:33,738,673-33,738,675); deleting any one gives the same sequence. VCF-style (leftmost placement, unchanged base first): chr18-33738672-GC-G. GRCh37 (hg19) VCF-style: chr18-31318636-GC-G.
Other names: c.1271delC (NM_030632.1); c.1271del (NM_030632.1); short protein forms P424fs.
Identifiers: ClinVar variation 2301486 (VCV002301486.3), dbSNP rs2510916120, ClinGen allele CA2580095652.